The following is an entry in ClinVar:

NM_020693.4(DSCAML1):c.187A>G (p.Thr63Ala)

Gene: DSCAML1 (DS cell adhesion molecule like 1; minus strand). Cytogenetic location: 11q23.3.
Variant type: single nucleotide variant.
Coding change: c.187A>G on transcript NM_020693.4 (MANE Select); coding-DNA position 187, A replaced by G.
Protein change: p.Thr63Ala; replaces threonine 63 with alanine.
Molecular consequence: missense variant. On other transcripts: 5 prime UTR variant (1).
Genome position (GRCh38, 1-based): chr11:117,780,670, T>C on the plus strand (A>G on the coding strand, the complement: DSCAML1 is on the minus strand). VCF-style: chr11-117780670-T-C. GRCh37 (hg19) VCF-style: chr11-117651385-T-C.
Other names: c.187A>G, p.Thr63Ala (NM_001367904.1); c.-222A>G (NM_001367905.1); short protein forms T63A.
Identifiers: ClinVar variation 1976525 (VCV001976525.5), dbSNP rs2496836859, ClinGen allele CA382760878.
Genomic context (GRCh38, chr11:117,780,670, plus strand): 5'-GCAGCGTCCCGTTGGCGTGGACGTGCCGGATGTGCGGCACGTCGTAGATGTCGTCCCCTG[T>C]GGCCAGGTACCATCGAAGGGCCGCGCTGGGGGAGCCCGCGGCCGGGCAGGGCACCACCAC-3'
Protein context (NP_065744.3, residues 53-73): PSAALRWYLA[Thr63Ala]GDDIYDVPHI

ClinVar aggregate classification (germline): Uncertain significance (1 of 4 stars; one submission).

Submission:

Labcorp Genetics (formerly Invitae), Labcorp
Classification: Uncertain significance. Last evaluated: 2022-02-07. Review status: criteria provided, single submitter. Criteria: Invitae Variant Classification Sherloc (09022015). Collection method: clinical testing. Allele origin: germline.
Comment: This sequence change replaces threonine, which is neutral and polar, with alanine, which is neutral and non-polar, at codon 123 of the DSCAML1 protein (p.Thr123Ala). This variant is not present in population databases (gnomAD no frequency). This variant has not been reported in the literature in individuals affected with DSCAML1-related conditions. Algorithms developed to predict the effect of missense changes on protein structure and function are either unavailable or do not agree on the potential impact of this missense change (SIFT: "Deleterious"; PolyPhen-2: "Benign"; Align-GVGD: "Class C0"). In summary, the available evidence is currently insufficient to determine the role of this variant in disease. Therefore, it has been classified as a Variant of Uncertain Significance.